The following is an entry in ClinVar:

NM_003024.3(ITSN1):c.3038dup (p.Tyr1013Ter)

Gene: ITSN1 (intersectin 1; plus strand). Cytogenetic location: 21q22.11.
Variant type: Duplication.
Coding change: c.3038dup on transcript NM_003024.3 (MANE Select); coding-DNA position 3038, one base duplicated (A; older notation c.3038dupA).
Protein change: p.Tyr1013Ter; replaces tyrosine 1013 with a stop codon.
Molecular consequence: nonsense. On other transcripts: intron variant (2).
Genome position (GRCh38, 1-based): chr21:33,823,508, A duplicated. VCF-style (leftmost placement, unchanged base first): chr21-33823507-T-TA. GRCh37 (hg19) VCF-style: chr21-35195811-T-TA.
Other names: c.3038dup, p.Tyr1013Ter (NM_001001132.2); c.3023dup, p.Tyr1008Ter (NM_001331009.2, NM_001331010.2); c.2912dup, p.Tyr971Ter (NM_001331012.2); c.3016+4185dup (NM_001331008.2); c.3001+4185dup (NM_001331011.2); short protein forms Y1008*, Y1013*, Y971*.
Identifiers: ClinVar variation 3773994 (VCV003773994.1).

ClinVar aggregate classification (germline): Pathogenic (1 of 4 stars; one submission).

Submission:

GeneDx
Classification: Pathogenic. Last evaluated: 2024-09-19. Review status: criteria provided, single submitter. Criteria: GeneDx Variant Classification Process June 2021. Collection method: clinical testing. Allele origin: germline. Affected: yes.
Comment: Nonsense variant predicted to result in protein truncation or nonsense mediated decay in a gene for which loss of function is a known mechanism of disease; Not observed at significant frequency in large population cohorts (gnomAD); Has not been previously published as pathogenic or benign to our knowledge